The following is an entry in ClinVar:

ClinVar aggregate classification (germline): Conflicting classifications of pathogenicity. Review status: criteria provided, conflicting classifications (1 of 4 stars). 4 submissions from 4 submitters: Uncertain significance (1); Benign (1); Likely benign (1). 1 of the submissions does not count toward it. Last evaluated 2025-11-26.

Conditions:
RARS1-related disorder. Also called: RARS1-related condition.

Allele frequency attached by ClinVar (database versions not stated): gnomAD 0.00022 and 0.00027; TOPMed 0.00026; 1000 Genomes Project 30x 0.00156; 1000 Genomes Project 0.00200.
gnomAD v4.1: 231 of 1,609,766 alleles (0.014%); highest among the groups gnomAD compares: East Asian, 0.36%; no homozygotes.

Submissions (4):

Labcorp Genetics (formerly Invitae), Labcorp
Classification: Benign. Last evaluated: 2025-11-26. Review status: criteria provided, single submitter. Criteria: Invitae Variant Classification Sherloc (09022015). Collection method: clinical testing. Allele origin: germline.

Blueprint Genetics
Classification: Uncertain significance. Last evaluated: 2024-11-20. Review status: criteria provided, single submitter. Criteria: ACMG Guidelines, 2015. Collection method: clinical testing. Allele origin: germline.

GeneDx
Classification: Likely benign. Last evaluated: 2021-05-12. Review status: criteria provided, single submitter. Criteria: GeneDx Variant Classification Process June 2021. Collection method: clinical testing. Allele origin: germline. Affected: yes.

PreventionGenetics, part of Exact Sciences
Classification: Benign for RARS1-related condition. Last evaluated: 2019-12-09. Review status: no assertion criteria provided. Collection method: clinical testing. Allele origin: germline. Not counted in ClinVar's aggregate classification.
Comment: This variant is classified as benign based on ACMG/AMP sequence variant interpretation guidelines (Richards et al. 2015 PMID: 25741868, with internal and published modifications).

NM_002887.4(RARS1):c.82C>T (p.Arg28Trp)

Gene: RARS1 (arginyl-tRNA synthetase 1; plus strand). Cytogenetic location: 5q34.
Variant type: single nucleotide variant.
Coding change: c.82C>T on transcript NM_002887.4 (MANE Select); coding-DNA position 82, C replaced by T.
Protein change: p.Arg28Trp; replaces arginine 28 with tryptophan.
Molecular consequence: missense variant.
Genome position (GRCh38, 1-based): chr5:168,488,638, C>T. VCF-style: chr5-168488638-C-T. GRCh37 (hg19) VCF-style: chr5-167915643-C-T.
Other names: short protein forms R28W.
Identifiers: ClinVar variation 1206716 (VCV001206716.14), dbSNP rs200285372, ClinGen allele CA3549512.
Genomic context (GRCh38, chr5:168,488,638, plus strand): 5'-AAAAAAGTGCTTTTTTTCCCACAGGAAGAAGAGATTAAATCTCTGACTGCTGAAATTGAC[C>T]GGTTGAAAAACTGTGGCTGTTTAGGAGCTTCTCCAAATTTGGAGCAGTTACAAGAAGAAA-3'
Protein context (NP_002878.2, residues 18-38): EIKSLTAEID[Arg28Trp]LKNCGCLGAS